The following is an entry in ClinVar:

NM_001372.4(DNAH9):c.8831G>A (p.Arg2944Gln)

Gene: DNAH9 (dynein axonemal heavy chain 9; plus strand). Cytogenetic location: 17p12.
Variant type: single nucleotide variant.
Coding change: c.8831G>A on transcript NM_001372.4 (MANE Select); coding-DNA position 8831, G replaced by A.
Protein change: p.Arg2944Gln; replaces arginine 2944 with glutamine.
Molecular consequence: missense variant.
Genome position (GRCh38, 1-based): chr17:11,822,043, G>A. VCF-style: chr17-11822043-G-A. GRCh37 (hg19) VCF-style: chr17-11725360-G-A.
Other names: c.8831G>A (NM_001372.3); short protein forms R2944Q.
Identifiers: ClinVar variation 2173702 (VCV002173702.2), dbSNP rs550801585, ClinGen allele CA8397047.

ClinVar aggregate classification (germline): Uncertain significance. Review status: criteria provided, multiple submitters, no conflicts (2 of 4 stars). 2 submissions from 2 submitters: Uncertain significance (2). Last evaluated 2025-06-11.

Conditions:
Ciliary dyskinesia, primary, 40. Also called: CILIARY DYSKINESIA, PRIMARY, 40, WITH OR WITHOUT SITUS INVERSUS. Identifiers: MedGen C4749028, MONDO:0032664, OMIM 618300.

Allele frequency attached by ClinVar (database versions not stated): ExAC 0.00010; 1000 Genomes Project 30x 0.00016; gnomAD exomes 0.00005; gnomAD 0.00008; 1000 Genomes Project 0.00020; TOPMed 0.00009.
gnomAD v4.1: 95 of 1,613,174 alleles (0.0059%); highest among the groups gnomAD compares: East Asian, 0.1%; 1 homozygote.

Submissions (2):

Johns Hopkins Genomics, Johns Hopkins University
Classification: Uncertain significance for Ciliary dyskinesia, primary, 40. Last evaluated: 2025-06-11. Review status: criteria provided, single submitter. Criteria: ACMG Guidelines, 2015. Collection method: clinical testing. Allele origin: germline.
Comment: This DNA9 missense variant (rs550801585) is rare (<0.1%) in a large population dataset (gnomADv4.1.0: 95/1613174 total alleles; 0.0059%; one homozygote) and has been reported in ClinVar (Variation ID: 2173702). Of three bioinformatics tools queried, one predicts that this substitution would be damaging and two predict that it would be tolerated. The arginine residue at this position is evolutionarily conserved across most of the species assessed. We consider the clinical significance of DNAH9 c.8831G>A to be uncertain at this time.

Labcorp Genetics (formerly Invitae), Labcorp
Classification: Uncertain significance. Last evaluated: 2021-12-24. Review status: criteria provided, single submitter. Criteria: Invitae Variant Classification Sherloc (09022015). Collection method: clinical testing. Allele origin: germline.
Comment: This sequence change replaces arginine, which is basic and polar, with glutamine, which is neutral and polar, at codon 2944 of the DNAH9 protein (p.Arg2944Gln). This variant is present in population databases (rs550801585, gnomAD 0.1%). This variant has not been reported in the literature in individuals affected with DNAH9-related conditions. Algorithms developed to predict the effect of missense changes on protein structure and function are either unavailable or do not agree on the potential impact of this missense change (SIFT: "Deleterious"; PolyPhen-2: "Benign"; Align-GVGD: "Class C0"). In summary, the available evidence is currently insufficient to determine the role of this variant in disease. Therefore, it has been classified as a Variant of Uncertain Significance.

Literature cited by the submitters: PubMed 30471718 (cited by Johns Hopkins Genomics, Johns Hopkins University); PubMed 40065384 (cited by Johns Hopkins Genomics, Johns Hopkins University).